The following is an entry in ClinVar:

ClinVar aggregate classification (germline): Pathogenic/Likely pathogenic. Review status: criteria provided, multiple submitters, no conflicts (2 of 4 stars). 2 submissions from 2 submitters: Pathogenic (1); Likely pathogenic (1). Last evaluated 2024-04-19.

Conditions:
Fanconi anemia complementation group L (FANCL). Also called: FANCL-Related Fanconi Anemia. Identifiers: Orphanet 84, MedGen C3469528, MONDO:0013566, OMIM 614083.
Fanconi anemia (FA). Also called: Fanconi's anemia. Identifiers: Orphanet 84, MedGen C0015625, MeSH D005199, MONDO:0019391.

Submissions (2):

Labcorp Genetics (formerly Invitae), Labcorp
Classification: Pathogenic for Fanconi anemia. Last evaluated: 2024-04-19. Review status: criteria provided, single submitter. Criteria: Invitae Variant Classification Sherloc (09022015). Collection method: clinical testing. Allele origin: germline.
Comment: This sequence change creates a premature translational stop signal (p.Glu5Lysfs*36) in the FANCL gene. It is expected to result in an absent or disrupted protein product. Loss-of-function variants in FANCL are known to be pathogenic (PMID: 19405097, 23613520). This variant is present in population databases (rs764407713, gnomAD 0.002%). This variant has not been reported in the literature in individuals affected with FANCL-related conditions. For these reasons, this variant has been classified as Pathogenic.

Baylor Genetics
Classification: Likely pathogenic for Fanconi anemia complementation group L. Last evaluated: 2024-01-09. Review status: criteria provided, single submitter. Criteria: ACMG Guidelines, 2015. Collection method: clinical testing. Allele origin: unknown.

Literature cited by the submitters: PubMed 19405097 (cited by Labcorp Genetics (formerly Invitae), Labcorp); PubMed 23613520 (cited by Labcorp Genetics (formerly Invitae), Labcorp).

NM_018062.4(FANCL):c.13del (p.Glu5fs)

Gene: FANCL (FA complementation group L; minus strand). Cytogenetic location: 2p16.1.
Variant type: Deletion.
Coding change: c.13del on transcript NM_018062.4 (MANE Select); coding-DNA position 13, one base deleted (G; older notation c.13delG).
Protein change: p.Glu5fs; shifts the reading frame from glutamic acid 5.
Molecular consequence: frameshift variant.
Genome position (GRCh38, 1-based): chr2:58,241,301, C deleted on the plus strand (G on the coding strand, the reverse complement: FANCL is on the minus strand); the first of 2 consecutive C bases (chr2:58,241,301-58,241,302); deleting either gives the same sequence. VCF-style (leftmost placement, unchanged base first): chr2-58241300-TC-T. GRCh37 (hg19) VCF-style: chr2-58468435-TC-T.
Other names: c.12delG, p.Glu5Lysfs (NM_001114636.2); c.13del, p.Glu5fs (NM_001374615.1, NM_001410792.1); short protein forms E5fs.
Identifiers: ClinVar variation 2982183 (VCV002982183.4), dbSNP rs764407713, ClinGen allele CA1670848.